The following is an entry in ClinVar:

ClinVar aggregate classification (germline): Uncertain significance (1 of 4 stars; one submission).

Conditions:
Polycystic kidney disease 8. Identifiers: MedGen C5935640, MONDO:0971178, OMIM 620903.

Submission:

MVZ Medizinische Genetik Mainz
Classification: Uncertain significance for Polycystic kidney disease 8. Last evaluated: 2025-11-07. Review status: criteria provided, single submitter. Criteria: UK Practice Guidelines For Variant Classification V4 01 2020. Collection method: clinical testing. Allele origin: germline. Inheritance: Autosomal dominant inheritance. Affected: yes. Observed: 1 variant allele.
Comment: ACMG Criteria: PP3_MOD,PM2_SUP,PP2

NM_178170.3(NEK8):c.571T>C (p.Cys191Arg)

Gene: NEK8 (NIMA related kinase 8; plus strand). Cytogenetic location: 17q11.2.
Variant type: single nucleotide variant.
Coding change: c.571T>C on transcript NM_178170.3 (MANE Select); coding-DNA position 571, T replaced by C.
Protein change: p.Cys191Arg; replaces cysteine 191 with arginine.
Molecular consequence: missense variant.
Genome position (GRCh38, 1-based): chr17:28,735,324, T>C. VCF-style: chr17-28735324-T-C. GRCh37 (hg19) VCF-style: chr17-27062342-T-C.
Other names: short protein forms C191R.
Identifiers: ClinVar variation 5038227 (VCV005038227.1).